The following is an entry in ClinVar:

ClinVar aggregate classification (germline): Benign/Likely benign. Review status: criteria provided, multiple submitters, no conflicts (2 of 4 stars). 5 submissions from 5 submitters: Benign (3); Likely benign (2). Last evaluated 2026-01-28.

Conditions:
BRAT1-related disorder. Also called: BRAT1-related disorders; BRAT1-related condition.
Neonatal-onset encephalopathy with rigidity and seizures. Also called: Lethal neonatal spasticity-epileptic encephalopathy syndrome. Identifiers: Orphanet 435845, MedGen C3281029, MONDO:0013784, OMIM 614498.

Allele frequency attached by ClinVar (database versions not stated): gnomAD exomes 0.00072; ExAC 0.00083; 1000 Genomes Project 0.00240; 1000 Genomes Project 30x 0.00250; gnomAD 0.00284 and 0.00310; ESP Exome Variant Server 0.00315; TOPMed 0.00331.
gnomAD v4.1: 912 of 1,611,760 alleles (0.057%); highest among the groups gnomAD compares: African/African-American, 1.1%; 5 homozygotes.

Submissions (5):

Labcorp Genetics (formerly Invitae), Labcorp
Classification: Benign for Neonatal-onset encephalopathy with rigidity and seizures. Last evaluated: 2026-01-28. Review status: criteria provided, single submitter. Criteria: Invitae Variant Classification Sherloc (09022015). Collection method: clinical testing. Allele origin: germline.

PreventionGenetics, part of Exact Sciences
Classification: Benign for BRAT1-related condition. Last evaluated: 2024-12-04. Review status: criteria provided, single submitter. Criteria: ACMG Guidelines, 2015. Collection method: clinical testing. Allele origin: germline.
Comment: This variant is classified as benign based on ACMG/AMP sequence variant interpretation guidelines (Richards et al. 2015 PMID: 25741868, with internal and published modifications).

Blueprint Genetics
Classification: Likely benign. Last evaluated: 2024-09-18. Review status: criteria provided, single submitter. Criteria: ACMG Guidelines, 2015. Collection method: clinical testing. Allele origin: germline.

ARUP Laboratories, Molecular Genetics and Genomics, ARUP Laboratories
Classification: Benign. Last evaluated: 2023-12-19. Review status: criteria provided, single submitter. Criteria: ARUP Molecular Germline Variant Investigation Process 2024. Collection method: clinical testing. Allele origin: germline.

GeneDx
Classification: Likely benign. Last evaluated: 2020-11-20. Review status: criteria provided, single submitter. Criteria: GeneDx Variant Classification Process June 2021. Collection method: clinical testing. Allele origin: germline. Affected: yes.

NM_152743.4(BRAT1):c.1689G>A (p.Ala563=)

Gene: BRAT1 (BRCA1 associated ATM activator 1; minus strand). Cytogenetic location: 7p22.3.
Variant type: single nucleotide variant.
Coding change: c.1689G>A on transcript NM_152743.4 (MANE Select); coding-DNA position 1689, G replaced by A.
Protein change: p.Ala563=; no amino-acid change (alanine 563 retained).
Molecular consequence: synonymous variant. On other transcripts: non-coding transcript variant (1).
Genome position (GRCh38, 1-based): chr7:2,539,260, C>T on the plus strand (G>A on the coding strand, the complement: BRAT1 is on the minus strand). VCF-style: chr7-2539260-C-T. GRCh37 (hg19) VCF-style: chr7-2578894-C-T.
Other names: c.1689G>A, p.Ala563= (NM_001350626.2); c.1164G>A, p.Ala388= (NM_001350627.2).
Identifiers: ClinVar variation 472953 (VCV000472953.17), dbSNP rs146276208, ClinGen allele CA4127626.